The following is an entry in ClinVar:

Conditions:
Arteriohepatic dysplasia. Also called: Alagille Syndrome. Identifiers: Orphanet 52, MedGen C0085280, MeSH D016738, MONDO:0007318.

Submission:

Gilbert/Spinner Lab, Children's Hospital of Philadelphia
No classification provided (evidence only). Condition: Alagille syndrome. Review status: no classification provided. Collection method: research. Allele origin: not applicable. Functional consequence: functionally_abnormal.
ClinVar note: "not provided" was previously submitted as the classification for the variant. However, the classification appeared to be based only on an observation of functional data so it was converted to no classification on 2025-07-30.

NM_000214.3(JAG1):c.591T>A (p.Asn197Lys)

Gene: JAG1 (jagged canonical Notch ligand 1; minus strand). Cytogenetic location: 20p12.2.
Variant type: single nucleotide variant.
Coding change: c.591T>A on transcript NM_000214.3 (MANE Select); coding-DNA position 591, T replaced by A.
Protein change: p.Asn197Lys; replaces asparagine 197 with lysine.
Molecular consequence: missense variant.
Genome position (GRCh38, 1-based): chr20:10,658,571, A>T on the plus strand (T>A on the coding strand, the complement: JAG1 is on the minus strand). VCF-style: chr20-10658571-A-T. GRCh37 (hg19) VCF-style: chr20-10639219-A-T.
Other names: short protein forms N197K.
Identifiers: ClinVar variation 3573341 (VCV003573341.2).
Genomic context (GRCh38, chr20:10,658,571, plus strand): 5'-GTTGCCATTCTGGTCACAGGCATAGTGTCCAAAGAAGTCATCTCTGGGGCGGCAGAACTT[A>T]TTGCAGCCAAAGCCATAGTAGTAGTCATCACAGGTCACGCGGATCTGATACTCAAAGTGG-3'
Protein context (NP_000205.1, residues 187-207): CDDYYYGFGC[Asn197Lys]KFCRPRDDFF